The following is an entry in ClinVar:

ClinVar aggregate classification (germline): Conflicting classifications of pathogenicity. Review status: criteria provided, conflicting classifications (1 of 4 stars). 2 submissions from 2 submitters: Likely pathogenic (1); Uncertain significance (1). Last evaluated 2021-09-23.

Conditions:
Leukoencephalopathy, diffuse hereditary, with spheroids 1 (HDLS1). Also called: DEMENTIA, FAMILIAL, NEUMANN TYPE; SUBCORTICAL GLIOSIS OF NEUMANN; CSF1R-related adult-onset leukoencephalopathy with axonal spheroids and pigmented glia. Identifiers: Orphanet 313808, MedGen C5561929, MONDO:0800027, OMIM 221820.

Submissions (2):

Institute of Human Genetics Munich, TUM University Hospital
Classification: Likely pathogenic for Leukoencephalopathy, diffuse hereditary, with spheroids 1. Last evaluated: 2021-09-23. Review status: criteria provided, single submitter. Criteria: Classification criteria August 2017. Collection method: clinical testing. Allele origin: germline. Inheritance: Autosomal dominant inheritance. Affected: yes. Observed: 1 variant allele.

Labcorp Genetics (formerly Invitae), Labcorp
Classification: Uncertain significance. Last evaluated: 2021-03-12. Review status: criteria provided, single submitter. Criteria: Invitae Variant Classification Sherloc (09022015). Collection method: clinical testing. Allele origin: germline.
Comment: In summary, the available evidence is currently insufficient to determine the role of this variant in disease. Therefore, it has been classified as a Variant of Uncertain Significance. This sequence change replaces threonine with asparagine at codon 654 of the CSF1R protein (p.Thr654Asn). The threonine residue is highly conserved and there is a small physicochemical difference between threonine and asparagine. This variant is not present in population databases (ExAC no frequency). This variant has not been reported in the literature in individuals with CSF1R-related conditions. Advanced modeling of protein sequence and biophysical properties (such as structural, functional, and spatial information, amino acid conservation, physicochemical variation, residue mobility, and thermodynamic stability) performed at Invitae indicates that this missense variant is expected to disrupt CSF1R protein function.

NM_001288705.3(CSF1R):c.1961C>A (p.Thr654Asn)

Gene: CSF1R (colony stimulating factor 1 receptor; minus strand). Cytogenetic location: 5q32.
Variant type: single nucleotide variant.
Coding change: c.1961C>A on transcript NM_001288705.3 (MANE Select); coding-DNA position 1961, C replaced by A.
Protein change: p.Thr654Asn; replaces threonine 654 with asparagine.
Molecular consequence: missense variant. On other transcripts: non-coding transcript variant (2).
Genome position (GRCh38, 1-based): chr5:150,060,870, G>T on the plus strand (C>A on the coding strand, the complement: CSF1R is on the minus strand). VCF-style: chr5-150060870-G-T. GRCh37 (hg19) VCF-style: chr5-149440433-G-T.
Other names: c.1961C>A, p.Thr654Asn (NM_001349736.2, NM_001375320.1, NM_005211.4); c.1517C>A, p.Thr506Asn (NM_001375321.1); short protein forms T506N, T654N.
Identifiers: ClinVar variation 1516273 (VCV001516273.9), dbSNP rs1275309683, ClinGen allele CA361713743.